The following is an entry in ClinVar:

NM_000548.5(TSC2):c.849-16T>C

Gene: TSC2 (TSC complex subunit 2; plus strand). Cytogenetic location: 16p13.3.
Variant type: single nucleotide variant.
Coding change: c.849-16T>C on transcript NM_000548.5 (MANE Select); 16 bases into the intron before coding-DNA position 849, T replaced by C.
Molecular consequence: intron variant.
Genome position (GRCh38, 1-based): chr16:2,058,731, T>C. VCF-style: chr16-2058731-T-C. GRCh37 (hg19) VCF-style: chr16-2108732-T-C.
Other names: c.849-16T>C (NM_001114382.3, NM_021055.3, NM_001370405.1 and 3 more transcripts); c.738-16T>C (NM_001318827.2); c.249-16T>C (NM_001318831.2); c.702-16T>C (NM_001318829.2); c.882-16T>C (NM_001318832.2).
Identifiers: ClinVar variation 1666081 (VCV001666081.9), dbSNP rs1355739947, ClinGen allele CA620373307.

ClinVar aggregate classification (germline): Likely benign. Review status: criteria provided, multiple submitters, no conflicts (2 of 4 stars). 2 submissions from 2 submitters: Likely benign (2). Last evaluated 2025-05-12.

Conditions:
Tuberous sclerosis 2 (TSC2). Identifiers: Orphanet 805, MedGen C1860707, MONDO:0013199, OMIM 613254.

Allele frequency attached by ClinVar (database versions not stated): gnomAD exomes below 0.00001 and 0.00001; TOPMed below 0.00001.

Submissions (2):

Myriad Genetics, Inc.
Classification: Likely benign for Tuberous sclerosis 2. Last evaluated: 2025-05-12. Review status: criteria provided, single submitter. Criteria: Myriad Autosomal Dominant, Autosomal Recessive and X-Linked Classification Criteria (2023). Collection method: clinical testing. Allele origin: unknown.
Comment: This variant is considered likely benign. This variant is intronic and is not expected to impact mRNA splicing.

Labcorp Genetics (formerly Invitae), Labcorp
Classification: Likely benign for Tuberous sclerosis 2. Last evaluated: 2023-11-02. Review status: criteria provided, single submitter. Criteria: Invitae Variant Classification Sherloc (09022015). Collection method: clinical testing. Allele origin: germline.